The following is an entry in ClinVar:

NM_004519.4(KCNQ3):c.855C>T (p.Asp285=)

Gene: KCNQ3 (potassium voltage-gated channel subfamily Q member 3; minus strand). Cytogenetic location: 8q24.22.
Variant type: single nucleotide variant.
Coding change: c.855C>T on transcript NM_004519.4 (MANE Select); coding-DNA position 855, C replaced by T.
Protein change: p.Asp285=; no amino-acid change (aspartic acid 285 retained).
Molecular consequence: synonymous variant.
Genome position (GRCh38, 1-based): chr8:132,175,531, G>A on the plus strand (C>T on the coding strand, the complement: KCNQ3 is on the minus strand). VCF-style: chr8-132175531-G-A. GRCh37 (hg19) VCF-style: chr8-133187778-G-A.
Other names: c.495C>T, p.Asp165= (NM_001204824.2).
Identifiers: ClinVar variation 704047 (VCV000704047.42), dbSNP rs62519577, ClinGen allele CA4880828.

ClinVar aggregate classification (germline): Conflicting classifications of pathogenicity. Review status: criteria provided, conflicting classifications (1 of 4 stars). 3 submissions from 3 submitters: Uncertain significance (1); Likely benign (2). Last evaluated 2026-02-03.

Conditions:
Seizures, benign familial neonatal, 2. Also called: KCNQ3-Related Benign Familial Neonatal Epilepsy; Benign Neonatal Epilepsy 2; CONVULSIONS, BENIGN FAMILIAL NEONATAL, 2; Seizures, benign neonatal, 2; KCNQ3-Related Self-Limited Familial Neonatal Epilepsy (SLFNE). Identifiers: Orphanet 1949, MedGen C1852581, MONDO:0007366, OMIM 121201.
Benign neonatal seizures. Also called: Convulsions benign familial neonatal dominant form; Autosomal dominant form of benign neonatal seizures; Benign neonatal familial convulsions; Benign familial neonatal epilepsy; Benign familial neonatal seizures. Identifiers: Orphanet 1949, MedGen C0220669, MONDO:0016027.

Allele frequency attached by ClinVar (database versions not stated): TOPMed 0.00002; ExAC 0.00003; gnomAD 0.00003; gnomAD exomes 0.00004.
gnomAD v4.1: 58 of 1,613,988 alleles (0.0036%); highest among the groups gnomAD compares: Middle Eastern, 0.016%; no homozygotes.

Submissions (3):

Labcorp Genetics (formerly Invitae), Labcorp
Classification: Likely benign for Benign neonatal seizures. Last evaluated: 2026-02-03. Review status: criteria provided, single submitter. Criteria: Invitae Variant Classification Sherloc (09022015). Collection method: clinical testing. Allele origin: germline.

CeGaT Center for Human Genetics Tuebingen
Classification: Likely benign. Last evaluated: 2023-09-01. Review status: criteria provided, single submitter. Criteria: CeGaT Center For Human Genetics Tuebingen Variant Classification Criteria Version 2. Collection method: clinical testing. Allele origin: germline. Affected: yes. Observed: 2 variant alleles.
Comment: KCNQ3: BP4, BP7

Illumina Laboratory Services, Illumina
Classification: Uncertain significance for Seizures, benign familial neonatal, 2. Last evaluated: 2018-01-13. Review status: criteria provided, single submitter. Criteria: ICSL Variant Classification Criteria 13 December 2019. Collection method: clinical testing. Allele origin: germline.